The following is an entry in ClinVar:

ClinVar aggregate classification (germline): Uncertain significance. Review status: criteria provided, multiple submitters, no conflicts (2 of 4 stars). 2 submissions from 2 submitters: Uncertain significance (2). Last evaluated 2025-05-21.

Conditions:
Inborn genetic diseases. Identifiers: MedGen C0950123, MeSH D030342.

Allele frequency attached by ClinVar (database versions not stated): ExAC 0.00001; TOPMed 0.00002; gnomAD 0.00002.
gnomAD v4.1: 16 of 1,613,634 alleles (0.00099%); highest among the groups gnomAD compares: East Asian, 0.0045%; no homozygotes.

Submissions (2):

Ambry Genetics
Classification: Uncertain significance for Inborn genetic diseases. Last evaluated: 2025-05-21. Review status: criteria provided, single submitter. Criteria: Ambry Variant Classification Scheme 2023. Collection method: clinical testing. Allele origin: germline.

Labcorp Genetics (formerly Invitae), Labcorp
Classification: Uncertain significance. Last evaluated: 2022-07-08. Review status: criteria provided, single submitter. Criteria: Invitae Variant Classification Sherloc (09022015). Collection method: clinical testing. Allele origin: germline.
Comment: This sequence change replaces serine, which is neutral and polar, with leucine, which is neutral and non-polar, at codon 617 of the MYO18B protein (p.Ser617Leu). The frequency data for this variant in the population databases is considered unreliable, as metrics indicate poor data quality at this position in the gnomAD database. This variant has not been reported in the literature in individuals affected with MYO18B-related conditions. Algorithms developed to predict the effect of missense changes on protein structure and function output the following: SIFT: "Not Available"; PolyPhen-2: "Benign"; Align-GVGD: "Not Available". The leucine amino acid residue is found in multiple mammalian species, which suggests that this missense change does not adversely affect protein function. In summary, the available evidence is currently insufficient to determine the role of this variant in disease. Therefore, it has been classified as a Variant of Uncertain Significance.

NM_032608.7(MYO18B):c.1850C>T (p.Ser617Leu)

Gene: MYO18B (myosin XVIIIB; plus strand). Cytogenetic location: 22q12.1.
Variant type: single nucleotide variant.
Coding change: c.1850C>T on transcript NM_032608.7 (MANE Select); coding-DNA position 1850, C replaced by T.
Protein change: p.Ser617Leu; replaces serine 617 with leucine.
Molecular consequence: missense variant.
Genome position (GRCh38, 1-based): chr22:25,772,491, C>T. VCF-style: chr22-25772491-C-T. GRCh37 (hg19) VCF-style: chr22-26168458-C-T.
Other names: c.1850C>T, p.Ser617Leu (NM_001318245.2); c.1850C>T (NM_032608.5); short protein forms S617L.
Identifiers: ClinVar variation 1942366 (VCV001942366.3), dbSNP rs780287472, ClinGen allele CA10159969.